The following is an entry in ClinVar:

ClinVar aggregate classification (germline): Uncertain significance. Review status: criteria provided, multiple submitters, no conflicts (2 of 4 stars). 2 submissions from 2 submitters: Uncertain significance (2). Last evaluated 2021-09-01.

Conditions:
Primary ciliary dyskinesia. Also called: Ciliary dyskinesia. Identifiers: Orphanet 244, MedGen C0008780, MONDO:0016575, HP:0012265.

gnomAD v4.1: 13 of 1,613,946 alleles (0.00081%); highest among the groups gnomAD compares: Admixed American, 0.022%; no homozygotes.

Submissions (2):

Labcorp Genetics (formerly Invitae), Labcorp
Classification: Uncertain significance for Primary ciliary dyskinesia. Last evaluated: 2021-09-01. Review status: criteria provided, single submitter. Criteria: Invitae Variant Classification Sherloc (09022015). Collection method: clinical testing. Allele origin: germline.
Comment: This sequence change replaces proline with serine at codon 687 of the DNAH8 protein (p.Pro687Ser). The proline residue is highly conserved and there is a moderate physicochemical difference between proline and serine. This variant is present in population databases (rs774984318, ExAC 0.08%). This variant has not been reported in the literature in individuals affected with DNAH8-related conditions. ClinVar contains an entry for this variant (Variation ID: 407289). Algorithms developed to predict the effect of missense changes on protein structure and function are either unavailable or do not agree on the potential impact of this missense change (SIFT: "Deleterious"; PolyPhen-2: "Not Available"; Align-GVGD: "Class C0"). In summary, the available evidence is currently insufficient to determine the role of this variant in disease. Therefore, it has been classified as a Variant of Uncertain Significance.

Ambry Genetics
Classification: Uncertain significance. Last evaluated: 2021-07-20. Review status: criteria provided, single submitter. Criteria: Ambry Variant Classification Scheme 2023. Collection method: clinical testing. Allele origin: germline.

NM_001206927.2(DNAH8):c.2059C>T (p.Pro687Ser)

Gene: DNAH8 (dynein axonemal heavy chain 8; plus strand). Cytogenetic location: 6p21.2.
Variant type: single nucleotide variant.
Coding change: c.2059C>T on transcript NM_001206927.2 (MANE Select); coding-DNA position 2059, C replaced by T.
Protein change: p.Pro687Ser; replaces proline 687 with serine.
Molecular consequence: missense variant.
Genome position (GRCh38, 1-based): chr6:38,779,985, C>T. VCF-style: chr6-38779985-C-T. GRCh37 (hg19) VCF-style: chr6-38747761-C-T.
Other names: c.1408C>T, p.Pro470Ser (NM_001371.4); short protein forms P687S, P470S.
Identifiers: ClinVar variation 407289 (VCV000407289.9), dbSNP rs774984318, ClinGen allele CA3788402.